The following is an entry in ClinVar:

ClinVar aggregate classification (germline): Uncertain significance (1 of 4 stars; one submission).

Conditions:
Tatton-Brown-Rahman overgrowth syndrome. Also called: Tall stature-intellectual disability-facial dysmorphism syndrome; Tatton-Brown-Rahman syndrome. Identifiers: Orphanet 404443, MedGen C4014545, MONDO:0014382, OMIM 615879.

Submission:

Labcorp Genetics (formerly Invitae), Labcorp
Classification: Uncertain significance for Tatton-Brown-Rahman overgrowth syndrome. Last evaluated: 2023-12-19. Review status: criteria provided, single submitter. Criteria: Invitae Variant Classification Sherloc (09022015). Collection method: clinical testing. Allele origin: germline.
Comment: This sequence change replaces aspartic acid, which is acidic and polar, with tyrosine, which is neutral and polar, at codon 280 of the DNMT3A protein (p.Asp280Tyr). This variant is not present in population databases (gnomAD no frequency). This variant has not been reported in the literature in individuals affected with DNMT3A-related conditions. ClinVar contains an entry for this variant (Variation ID: 2107894). Advanced modeling of protein sequence and biophysical properties (such as structural, functional, and spatial information, amino acid conservation, physicochemical variation, residue mobility, and thermodynamic stability) performed at Invitae indicates that this missense variant is not expected to disrupt DNMT3A protein function with a negative predictive value of 80%. In summary, the available evidence is currently insufficient to determine the role of this variant in disease. Therefore, it has been classified as a Variant of Uncertain Significance.

NM_022552.5(DNMT3A):c.838G>T (p.Asp280Tyr)

Gene: DNMT3A (DNA methyltransferase 3 alpha; minus strand). Cytogenetic location: 2p23.3.
Variant type: single nucleotide variant.
Coding change: c.838G>T on transcript NM_022552.5 (MANE Select); coding-DNA position 838, G replaced by T.
Protein change: p.Asp280Tyr; replaces aspartic acid 280 with tyrosine.
Molecular consequence: missense variant. On other transcripts: non-coding transcript variant (1).
Genome position (GRCh38, 1-based): chr2:25,248,054, C>A on the plus strand (G>T on the coding strand, the complement: DNMT3A is on the minus strand). VCF-style: chr2-25248054-C-A. GRCh37 (hg19) VCF-style: chr2-25470923-C-A.
Other names: c.382G>T, p.Asp128Tyr (NM_001320893.1); c.169G>T, p.Asp57Tyr (NM_001375819.1); c.271G>T, p.Asp91Tyr (NM_153759.3); c.838G>T, p.Asp280Tyr (NM_175629.2); short protein forms D91Y, D57Y, D280Y, D128Y.
Identifiers: ClinVar variation 2107894 (VCV002107894.4), dbSNP rs893934873, ClinGen allele CA346075726.